The following is an entry in ClinVar:

NM_001292034.3(TAB2):c.941T>C (p.Ile314Thr)

Genes: TAB2 (TGF-beta activated kinase 1 (MAP3K7) binding protein 2; plus strand), LOC126859827 (BRD4-independent group 4 enhancer GRCh37_chr6:149699707-149700906; plus strand). Cytogenetic location: 6q25.1.
Variant type: single nucleotide variant.
Coding change: c.941T>C on transcript NM_001292034.3 (MANE Select); coding-DNA position 941, T replaced by C.
Protein change: p.Ile314Thr; replaces isoleucine 314 with threonine.
Molecular consequence: missense variant.
Genome position (GRCh38, 1-based): chr6:149,378,856, T>C. VCF-style: chr6-149378856-T-C. GRCh37 (hg19) VCF-style: chr6-149699992-T-C.
Other names: c.845T>C, p.Ile282Thr (NM_001292035.3); c.941T>C, p.Ile314Thr (NM_001369506.1, NM_015093.6); short protein forms I282T, I314T.
Identifiers: ClinVar variation 3369386 (VCV003369386.1).

ClinVar aggregate classification (germline): Uncertain significance (1 of 4 stars; one submission).

Submission:

GeneDx
Classification: Uncertain significance. Last evaluated: 2024-04-26. Review status: criteria provided, single submitter. Criteria: GeneDx Variant Classification Process June 2021. Collection method: clinical testing. Allele origin: germline. Affected: yes.
Comment: Not observed at significant frequency in large population cohorts (gnomAD); In silico analysis indicates that this missense variant does not alter protein structure/function; Has not been previously published as pathogenic or benign to our knowledge